The following is an entry in ClinVar:

ClinVar aggregate classification (germline): Uncertain significance. Review status: criteria provided, multiple submitters, no conflicts (2 of 4 stars). 2 submissions from 2 submitters: Uncertain significance (2). Last evaluated 2026-01-05.

Allele frequency attached by ClinVar (database versions not stated): gnomAD exomes 0.00001; TOPMed 0.00001; ExAC 0.00002.
gnomAD v4.1: 7 of 1,614,010 alleles (0.00043%); highest among the groups gnomAD compares: Middle Eastern, 0.016%; no homozygotes.

Submissions (2):

Labcorp Genetics (formerly Invitae), Labcorp
Classification: Uncertain significance. Last evaluated: 2026-01-05. Review status: criteria provided, single submitter. Criteria: Invitae Variant Classification Sherloc (09022015). Collection method: clinical testing. Allele origin: germline.
Comment: This sequence change replaces arginine, which is basic and polar, with glutamine, which is neutral and polar, at codon 729 of the CNGB1 protein (p.Arg729Gln). This variant is present in population databases (rs781104590, gnomAD 0.01%). This variant has not been reported in the literature in individuals affected with CNGB1-related conditions. ClinVar contains an entry for this variant (Variation ID: 841810). Invitae Evidence Modeling of protein sequence and biophysical properties (such as structural, functional, and spatial information, amino acid conservation, physicochemical variation, residue mobility, and thermodynamic stability) indicates that this missense variant is not expected to disrupt CNGB1 protein function with a negative predictive value of 80%. In summary, the available evidence is currently insufficient to determine the role of this variant in disease. Therefore, it has been classified as a Variant of Uncertain Significance.

Blueprint Genetics
Classification: Uncertain significance. Last evaluated: 2022-09-05. Review status: criteria provided, single submitter. Criteria: ACMG Guidelines, 2015. Collection method: clinical testing. Allele origin: germline.

NM_001297.5(CNGB1):c.2186G>A (p.Arg729Gln)

Gene: CNGB1 (cyclic nucleotide gated channel subunit beta 1; minus strand). Cytogenetic location: 16q21.
Variant type: single nucleotide variant.
Coding change: c.2186G>A on transcript NM_001297.5 (MANE Select); coding-DNA position 2186, G replaced by A.
Protein change: p.Arg729Gln; replaces arginine 729 with glutamine.
Molecular consequence: missense variant.
Genome position (GRCh38, 1-based): chr16:57,916,160, C>T on the plus strand (G>A on the coding strand, the complement: CNGB1 is on the minus strand). VCF-style: chr16-57916160-C-T. GRCh37 (hg19) VCF-style: chr16-57950064-C-T.
Other names: c.2168G>A, p.Arg723Gln (NM_001286130.2); short protein forms R723Q, R729Q.
Identifiers: ClinVar variation 841810 (VCV000841810.11), dbSNP rs781104590, ClinGen allele CA8083131.